The following is an entry in ClinVar:

NM_000038.6(APC):c.2512A>G (p.Arg838Gly)

Gene: APC (APC regulator of Wnt signaling pathway; plus strand). Cytogenetic location: 5q22.2.
Variant type: single nucleotide variant.
Coding change: c.2512A>G on transcript NM_000038.6 (MANE Select); coding-DNA position 2512, A replaced by G.
Protein change: p.Arg838Gly; replaces arginine 838 with glycine.
Molecular consequence: missense variant.
Genome position (GRCh38, 1-based): chr5:112,838,106, A>G. VCF-style: chr5-112838106-A-G. GRCh37 (hg19) VCF-style: chr5-112173803-A-G.
Other names: c.2458A>G, p.Arg820Gly (NM_001127511.3); c.2566A>G, p.Arg856Gly (NM_001354896.2); c.2542A>G, p.Arg848Gly (NM_001354897.2); c.2512A>G, p.Arg838Gly (NM_001127510.3, NM_001354895.2); c.2437A>G, p.Arg813Gly (NM_001354898.2); c.2428A>G, p.Arg810Gly (NM_001354899.2); c.2389A>G, p.Arg797Gly (NM_001354900.2); c.2335A>G, p.Arg779Gly (NM_001354901.2); and 5 more; short protein forms R712G, R797G, R810G, R856G, R747G, R813G, R737G, R779G.
Identifiers: ClinVar variation 821382 (VCV000821382.4), dbSNP rs1580623387, ClinGen allele CA16026832.

ClinVar aggregate classification (germline): Uncertain significance (1 of 4 stars; one submission).

Conditions:
Hereditary cancer-predisposing syndrome. Also called: Neoplastic Syndromes, Hereditary; Tumor predisposition; Hereditary Cancer Syndrome; Hereditary neoplastic syndrome. Identifiers: Orphanet 140162, MedGen C0027672, MeSH D009386, MONDO:0015356.

Allele frequency attached by ClinVar (database versions not stated): TOPMed below 0.00001.

Submission:

Ambry Genetics
Classification: Uncertain significance for Hereditary cancer-predisposing syndrome. Last evaluated: 2019-08-12. Review status: criteria provided, single submitter. Criteria: Ambry Variant Classification Scheme 2023. Collection method: clinical testing. Allele origin: germline.
Comment: The p.R838G variant (also known as c.2512A>G), located in coding exon 15 of the APC gene, results from an A to G substitution at nucleotide position 2512. The arginine at codon 838 is replaced by glycine, an amino acid with dissimilar properties. This amino acid position is highly conserved through mammals but not in all available vertebrate species. In addition, in silico predictors for this gene do not accurately predict pathogenicity. Since supporting evidence is limited at this time, the clinical significance of this alteration remains unclear.